The following is an entry in ClinVar:

ClinVar aggregate classification (germline): Uncertain significance (1 of 4 stars; one submission).

Conditions:
FG syndrome (FGS). Identifiers: MedGen C0220769, MONDO:0002010.

Submission:

Labcorp Genetics (formerly Invitae), Labcorp
Classification: Uncertain significance for FG syndrome. Last evaluated: 2025-12-13. Review status: criteria provided, single submitter. Criteria: Invitae Variant Classification Sherloc (09022015). Collection method: clinical testing. Allele origin: germline.
Comment: This sequence change replaces leucine, which is neutral and non-polar, with phenylalanine, which is neutral and non-polar, at codon 624 of the MED12 protein (p.Leu624Phe). This variant is not present in population databases (gnomAD no frequency). This variant has not been reported in the literature in individuals affected with MED12-related conditions. Invitae Evidence Modeling of protein sequence and biophysical properties (such as structural, functional, and spatial information, amino acid conservation, physicochemical variation, residue mobility, and thermodynamic stability) has been performed for this missense variant. However, the output from this modeling did not meet the statistical confidence thresholds required to predict the impact of this variant on MED12 protein function. In summary, the available evidence is currently insufficient to determine the role of this variant in disease. Therefore, it has been classified as a Variant of Uncertain Significance.

NM_005120.3(MED12):c.1870C>T (p.Leu624Phe)

Gene: MED12 (mediator complex subunit 12; plus strand). Cytogenetic location: Xq13.1.
Variant type: single nucleotide variant.
Coding change: c.1870C>T on transcript NM_005120.3 (MANE Select); coding-DNA position 1870, C replaced by T.
Protein change: p.Leu624Phe; replaces leucine 624 with phenylalanine.
Molecular consequence: missense variant.
Genome position (GRCh38, 1-based): chrX:71,124,284, C>T. VCF-style: chrX-71124284-C-T. GRCh37 (hg19) VCF-style: chrX-70344134-C-T.
Other names: short protein forms L624F.
Identifiers: ClinVar variation 4752535 (VCV004752535.1).